The following is an entry in ClinVar:

NM_000284.4(PDHA1):c.464T>C (p.Met155Thr)

Gene: PDHA1 (pyruvate dehydrogenase E1 subunit alpha 1; plus strand). Cytogenetic location: Xp22.12.
Variant type: single nucleotide variant.
Coding change: c.464T>C on transcript NM_000284.4 (MANE Select); coding-DNA position 464, T replaced by C.
Protein change: p.Met155Thr; replaces methionine 155 with threonine.
Molecular consequence: missense variant.
Genome position (GRCh38, 1-based): chrX:19,353,127, T>C. VCF-style: chrX-19353127-T-C. GRCh37 (hg19) VCF-style: chrX-19371245-T-C.
Other names: c.578T>C, p.Met193Thr (NM_001173454.2); c.485T>C, p.Met162Thr (NM_001173455.2); c.464T>C, p.Met155Thr (NM_001173456.2); short protein forms M155T, M162T, M193T.
Identifiers: ClinVar variation 4070488 (VCV004070488.2).
Genomic context (GRCh38, chrX:19,353,127, plus strand): 5'-TTCTGCCATTTCCAGGACGAAAAGGAGGTTGTGCTAAAGGGAAAGGAGGATCGATGCACA[T>C]GTATGCCAAGAACTTCTACGGGGGCAATGGCATCGTGGGAGCGCAGGTAGTCAAGGACGA-3'
Protein context (NP_000275.1, residues 145-165): CAKGKGGSMH[Met155Thr]YAKNFYGGNG

ClinVar aggregate classification (germline): Likely pathogenic. Review status: criteria provided, single submitter (1 of 4 stars). 2 submissions from 2 submitters: Likely pathogenic (1). 1 of the submissions does not count toward it. Last evaluated 2026-03-10.

Conditions:
Pyruvate dehydrogenase E1-alpha deficiency (PDHAD). Also called: ATAXIA, INTERMITTENT, WITH PYRUVATE DEHYDROGENASE DEFICIENCY; ATAXIA WITH LACTIC ACIDOSIS I; ATAXIA, INTERMITTENT, WITH ABNORMAL PYRUVATE METABOLISM; Ataxia, intermittent, with pyruvate dehydrogenase, or decarboxylase, deficiency. Identifiers: Orphanet 79243, MedGen C1839413, MONDO:0010717, OMIM 312170.

Submissions (2):

GeneDx
Classification: Likely pathogenic. Last evaluated: 2026-03-10. Review status: criteria provided, single submitter. Criteria: GeneDx Variant Classification Process June 2021. Collection method: clinical testing. Allele origin: germline.
Comment: Reported in the heterozygous state in a patient with suspected mitochondrial disorder in published literature; variant was inherited from the patient's unaffected mother (PMID: 27144126); In silico analysis supports that this missense variant has a deleterious effect on protein structure/function; Not observed at significant frequency in large population cohorts (gnomAD); This variant is associated with the following publications: (PMID: 37422902, 27144126)

PDHA1 Study Group, University Children’s Hospital, Paracelsus Medical University
Classification: Pathogenic for Pyruvate dehydrogenase E1-alpha deficiency. Last evaluated: 2024-10-15. Review status: no assertion criteria provided. Collection method: research. Allele origin: de novo. Affected: yes. Observed: 3 variant alleles. Not counted in ClinVar's aggregate classification.
Comment: The NM_000284.3:c.464T>C (p.Met155Thr) substitution is a missense variant in PDHA1 gene. In total, 3 individuals were diagnosed with PDHA1-related Pyruvate dehydrogenase complex (PDHc) deficiency (MIM #312170). Among them, 2 cases had confirmed de novo occurrence, and 1 was confirmed inherited. This variant has been identified in 3 unpublished cases from internal data. Last literature search: July 12, 2024. This variant is absent or extremely rare in population-based cohorts in the Genome Aggregation Database (gnomAD). Individuals harboring this variant presented with clinical features compatible with PDHA1-related PDHc deficiency. In summary, this variant meets criteria to be classified as pathogenic (P) for PDHA1-related PDHc deficiency based on the ACMG/AMP criteria applied: PS2, PM1, PM2, PM7, PP3 (last assessment October 15, 2024).

Literature cited by the submitters: DOI 10.1093/brain/awaf430 (cited by PDHA1 Study Group, University Children’s Hospital, Paracelsus Medical University).